The following is an entry in ClinVar:

ClinVar aggregate classification (germline): Uncertain significance. Review status: criteria provided, multiple submitters, no conflicts (2 of 4 stars). 3 submissions from 3 submitters: Uncertain significance (3). Last evaluated 2025-12-04.

Conditions:
Inborn genetic diseases. Identifiers: MedGen C0950123, MeSH D030342.
COL9A2-related disorder. Also called: COL9A2-related condition.

Allele frequency attached by ClinVar (database versions not stated): ExAC 0.00002; gnomAD 0.00002 and 0.00003; gnomAD exomes 0.00002; TOPMed 0.00003; ESP Exome Variant Server 0.00008.

Submissions (3):

Labcorp Genetics (formerly Invitae), Labcorp
Classification: Uncertain significance. Last evaluated: 2025-12-04. Review status: criteria provided, single submitter. Criteria: Invitae Variant Classification Sherloc (09022015). Collection method: clinical testing. Allele origin: germline.
Comment: This sequence change replaces alanine, which is neutral and non-polar, with threonine, which is neutral and polar, at codon 257 of the COL9A2 protein (p.Ala257Thr). This variant is present in population databases (rs369221204, gnomAD 0.003%). This variant has not been reported in the literature in individuals affected with COL9A2-related conditions. ClinVar contains an entry for this variant (Variation ID: 1053228). Invitae Evidence Modeling of protein sequence and biophysical properties (such as structural, functional, and spatial information, amino acid conservation, physicochemical variation, residue mobility, and thermodynamic stability) indicates that this missense variant is not expected to disrupt COL9A2 protein function with a negative predictive value of 95%. In summary, the available evidence is currently insufficient to determine the role of this variant in disease. Therefore, it has been classified as a Variant of Uncertain Significance.

PreventionGenetics, part of Exact Sciences
Classification: Uncertain significance for COL9A2-related condition. Last evaluated: 2025-07-28. Review status: criteria provided, single submitter. Criteria: ACMG Guidelines, 2015. Collection method: clinical testing. Allele origin: germline.
Comment: The COL9A2 c.769G>A variant is predicted to result in the amino acid substitution p.Ala257Thr. To our knowledge, this variant has not been reported in the literature or in a large population database (gnomAD), indicating this variant is rare. At this time, the clinical significance of this variant is uncertain due to the absence of conclusive functional and genetic evidence.

Ambry Genetics
Classification: Uncertain significance for Inborn genetic diseases. Last evaluated: 2023-12-20. Review status: criteria provided, single submitter. Criteria: Ambry Variant Classification Scheme 2023. Collection method: clinical testing. Allele origin: germline.

NM_001852.4(COL9A2):c.769G>A (p.Ala257Thr)

Gene: COL9A2 (collagen type IX alpha 2 chain; minus strand). Cytogenetic location: 1p34.2.
Variant type: single nucleotide variant.
Coding change: c.769G>A on transcript NM_001852.4 (MANE Select); coding-DNA position 769, G replaced by A.
Protein change: p.Ala257Thr; replaces alanine 257 with threonine.
Molecular consequence: missense variant.
Genome position (GRCh38, 1-based): chr1:40,310,134, C>T on the plus strand (G>A on the coding strand, the complement: COL9A2 is on the minus strand). VCF-style: chr1-40310134-C-T. GRCh37 (hg19) VCF-style: chr1-40775806-C-T.
Other names: c.769G>A (NM_001852.3); short protein forms A257T.
Identifiers: ClinVar variation 1053228 (VCV001053228.11), dbSNP rs369221204, ClinGen allele CA791759.